The following is an entry in ClinVar:

NM_004356.4(CD81):c.561+4C>T

Gene: CD81 (CD81 molecule; plus strand). Cytogenetic location: 11p15.5.
Variant type: single nucleotide variant.
Coding change: c.561+4C>T on transcript NM_004356.4 (MANE Select); 4 bases into the intron after coding-DNA position 561, C replaced by T.
Molecular consequence: intron variant.
Genome position (GRCh38, 1-based): chr11:2,395,974, C>T. VCF-style: chr11-2395974-C-T. GRCh37 (hg19) VCF-style: chr11-2417204-C-T.
Other names: c.348+4C>T (NM_001297649.2).
Identifiers: ClinVar variation 2958053 (VCV002958053.3), dbSNP rs917344371, ClinGen allele CA216294026.

ClinVar aggregate classification (germline): Uncertain significance (1 of 4 stars; one submission).

Allele frequency attached by ClinVar (database versions not stated): TOPMed below 0.00001; gnomAD 0.00001.
gnomAD v4.1: 27 of 1,600,344 alleles (0.0017%); highest among the groups gnomAD compares: South Asian, 0.0033%; no homozygotes.

Submission:

Labcorp Genetics (formerly Invitae), Labcorp
Classification: Uncertain significance. Last evaluated: 2023-06-03. Review status: criteria provided, single submitter. Criteria: Invitae Variant Classification Sherloc (09022015). Collection method: clinical testing. Allele origin: germline.
Comment: This variant has not been reported in the literature in individuals affected with CD81-related conditions. In summary, the available evidence is currently insufficient to determine the role of this variant in disease. Therefore, it has been classified as a Variant of Uncertain Significance. Variants that disrupt the consensus splice site are a relatively common cause of aberrant splicing (PMID: 17576681, 9536098). Algorithms developed to predict the effect of sequence changes on RNA splicing suggest that this variant may create or strengthen a splice site. This variant is not present in population databases (gnomAD no frequency). This sequence change falls in intron 6 of the CD81 gene. It does not directly change the encoded amino acid sequence of the CD81 protein. It affects a nucleotide within the consensus splice site.

Literature cited by the submitters: PubMed 17576681; PubMed 9536098.